The following is an entry in ClinVar:

NM_033026.6(PCLO):c.6200A>G (p.Glu2067Gly)

Gene: PCLO (piccolo presynaptic cytomatrix protein; minus strand). Cytogenetic location: 7q21.11.
Variant type: single nucleotide variant.
Coding change: c.6200A>G on transcript NM_033026.6 (MANE Select); coding-DNA position 6200, A replaced by G.
Protein change: p.Glu2067Gly; replaces glutamic acid 2067 with glycine.
Molecular consequence: missense variant.
Genome position (GRCh38, 1-based): chr7:82,954,753, T>C on the plus strand (A>G on the coding strand, the complement: PCLO is on the minus strand). VCF-style: chr7-82954753-T-C. GRCh37 (hg19) VCF-style: chr7-82584069-T-C.
Other names: c.6200A>G, p.Glu2067Gly (NM_014510.3); short protein forms E2067G.
Identifiers: ClinVar variation 1386218 (VCV001386218.6), dbSNP rs377592134, ClinGen allele CA4320518.

ClinVar aggregate classification (germline): Uncertain significance (1 of 4 stars; one submission).

gnomAD v4.1: 1 of 1,613,862 alleles (0.000062%); highest among the groups gnomAD compares: Non-Finnish European, 0.000085%; no homozygotes.

Submission:

Labcorp Genetics (formerly Invitae), Labcorp
Classification: Uncertain significance. Last evaluated: 2022-09-12. Review status: criteria provided, single submitter. Criteria: Invitae Variant Classification Sherloc (09022015). Collection method: clinical testing. Allele origin: germline.
Comment: In summary, the available evidence is currently insufficient to determine the role of this variant in disease. Therefore, it has been classified as a Variant of Uncertain Significance. Algorithms developed to predict the effect of missense changes on protein structure and function are either unavailable or do not agree on the potential impact of this missense change (SIFT: "Deleterious"; PolyPhen-2: "Not Available"; Align-GVGD: "Class C0"). ClinVar contains an entry for this variant (Variation ID: 1386218). This variant has not been reported in the literature in individuals affected with PCLO-related conditions. This variant is present in population databases (rs377592134, gnomAD 0.0009%). This sequence change replaces glutamic acid, which is acidic and polar, with glycine, which is neutral and non-polar, at codon 2067 of the PCLO protein (p.Glu2067Gly).